The following is an entry in ClinVar:

ClinVar aggregate classification (germline): Uncertain significance. Review status: criteria provided, multiple submitters, no conflicts (2 of 4 stars). 2 submissions from 2 submitters: Uncertain significance (2). Last evaluated 2025-07-01.

Submissions (2):

GeneDx
Classification: Uncertain significance. Last evaluated: 2025-07-01. Review status: criteria provided, single submitter. Criteria: GeneDx Variant Classification Process June 2021. Collection method: clinical testing. Allele origin: germline. Affected: yes.
Comment: Has not been previously published as pathogenic or benign to our knowledge; In silico analysis supports that this missense variant has a deleterious effect on protein structure/function

Mayo Clinic Laboratories, Mayo Clinic
Classification: Uncertain significance. Last evaluated: 2020-07-17. Review status: criteria provided, single submitter. Criteria: ACMG Guidelines, 2015. Collection method: clinical testing. Allele origin: germline. Observed: 1 variant allele.

NM_001083962.2(TCF4):c.337G>T (p.Gly113Trp)

Gene: TCF4 (transcription factor 4; minus strand). Cytogenetic location: 18q21.2.
Variant type: single nucleotide variant.
Coding change: c.337G>T on transcript NM_001083962.2 (MANE Select); coding-DNA position 337, G replaced by T.
Protein change: p.Gly113Trp; replaces glycine 113 with tryptophan.
Molecular consequence: missense variant. On other transcripts: 5 prime UTR variant (3).
Genome position (GRCh38, 1-based): chr18:55,403,486, C>A on the plus strand (G>T on the coding strand, the complement: TCF4 is on the minus strand). VCF-style: chr18-55403486-C-A. GRCh37 (hg19) VCF-style: chr18-53070717-C-A.
Other names: c.643G>T, p.Gly215Trp (NM_001243226.3); c.265G>T, p.Gly89Trp (NM_001243227.2, NM_001306207.1, NM_001348217.1 and 15 more transcripts); c.337G>T, p.Gly113Trp (NM_001243228.2, NM_001330604.3, NM_001369567.1 and 8 more transcripts); c.331G>T, p.Gly111Trp (NM_001243230.2); c.211G>T, p.Gly71Trp (NM_001243231.2, NM_001348211.2); c.127G>T, p.Gly43Trp (NM_001243232.1, NM_001306208.1); c.-54G>T (NM_001243233.2, NM_001348213.2); c.-51G>T (NM_001348212.2); short protein forms G111W, G113W, G215W, G43W, G71W, G89W.
Identifiers: ClinVar variation 1163614 (VCV001163614.6), dbSNP rs1556050492, ClinGen allele CA402702866.